The following is an entry in ClinVar:

ClinVar aggregate classification (germline): Uncertain significance (1 of 4 stars; one submission).

Allele frequency attached by ClinVar (database versions not stated): gnomAD exomes below 0.00001; TOPMed 0.00001.

Submission:

Labcorp Genetics (formerly Invitae), Labcorp
Classification: Uncertain significance. Last evaluated: 2025-10-27. Review status: criteria provided, single submitter. Criteria: Invitae Variant Classification Sherloc (09022015). Collection method: clinical testing. Allele origin: germline.
Comment: This sequence change replaces glycine, which is neutral and non-polar, with arginine, which is basic and polar, at codon 303 of the GRIN2D protein (p.Gly303Arg). The frequency data for this variant in the population databases is considered unreliable, as metrics indicate poor data quality at this position in the gnomAD database. This missense change has been observed in individual(s) with clinical features of developmental and epileptic encephalopathy (internal data). ClinVar contains an entry for this variant (Variation ID: 1351035). Invitae Evidence Modeling of protein sequence and biophysical properties (such as structural, functional, and spatial information, amino acid conservation, physicochemical variation, residue mobility, and thermodynamic stability) indicates that this missense variant is not expected to disrupt GRIN2D protein function with a negative predictive value of 80%. In summary, the available evidence is currently insufficient to determine the role of this variant in disease. Therefore, it has been classified as a Variant of Uncertain Significance.

NM_000836.4(GRIN2D):c.907G>A (p.Gly303Arg)

Gene: GRIN2D (glutamate ionotropic receptor NMDA type subunit 2D; plus strand). Cytogenetic location: 19q13.33.
Variant type: single nucleotide variant.
Coding change: c.907G>A on transcript NM_000836.4 (MANE Select); coding-DNA position 907, G replaced by A.
Protein change: p.Gly303Arg; replaces glycine 303 with arginine.
Molecular consequence: missense variant.
Genome position (GRCh38, 1-based): chr19:48,405,175, G>A. VCF-style: chr19-48405175-G-A. GRCh37 (hg19) VCF-style: chr19-48908432-G-A.
Other names: short protein forms G303R.
Identifiers: ClinVar variation 1351035 (VCV001351035.6), dbSNP rs1210625989, ClinGen allele CA406692792.